The following is an entry in ClinVar:

NM_138694.4(PKHD1):c.5654C>T (p.Thr1885Ile)

Gene: PKHD1 (PKHD1 ciliary IPT domain containing fibrocystin/polyductin; minus strand). Cytogenetic location: 6p12.2.
Variant type: single nucleotide variant.
Coding change: c.5654C>T on transcript NM_138694.4 (MANE Select); coding-DNA position 5654, C replaced by T.
Protein change: p.Thr1885Ile; replaces threonine 1885 with isoleucine.
Molecular consequence: missense variant.
Genome position (GRCh38, 1-based): chr6:52,010,406, G>A on the plus strand (C>T on the coding strand, the complement: PKHD1 is on the minus strand). VCF-style: chr6-52010406-G-A. GRCh37 (hg19) VCF-style: chr6-51875204-G-A.
Other names: c.5654C>T, p.Thr1885Ile (NM_170724.3); short protein forms T1885I.
Identifiers: ClinVar variation 1700485 (VCV001700485.4), dbSNP rs1391293548, ClinGen allele CA364423148.

ClinVar aggregate classification (germline): Uncertain significance. Review status: criteria provided, multiple submitters, no conflicts (2 of 4 stars). 2 submissions from 2 submitters: Uncertain significance (2). Last evaluated 2023-05-09.

Conditions:
Inborn genetic diseases. Identifiers: MedGen C0950123, MeSH D030342.

Allele frequency attached by ClinVar (database versions not stated): gnomAD exomes below 0.00001 and 0.00001; TOPMed below 0.00001.
gnomAD v4.1: 6 of 1,609,382 alleles (0.00037%); highest among the groups gnomAD compares: South Asian, 0.0022%; no homozygotes.

Submissions (2):

Ambry Genetics
Classification: Uncertain significance for Inborn genetic diseases. Last evaluated: 2023-05-09. Review status: criteria provided, single submitter. Criteria: Ambry Variant Classification Scheme 2023. Collection method: clinical testing. Allele origin: germline.

GeneDx
Classification: Uncertain significance. Last evaluated: 2022-02-08. Review status: criteria provided, single submitter. Criteria: GeneDx Variant Classification Process June 2021. Collection method: clinical testing. Allele origin: germline. Affected: yes.
Comment: Not observed at significant frequency in large population cohorts (gnomAD); In silico analysis supports that this missense variant has a deleterious effect on protein structure/function; Has not been previously published as pathogenic or benign to our knowledge